The following is an entry in ClinVar:

NM_021625.5(TRPV4):c.2378G>A (p.Gly793Asp)

Gene: TRPV4 (transient receptor potential cation channel subfamily V member 4; minus strand). Cytogenetic location: 12q24.11.
Variant type: single nucleotide variant.
Coding change: c.2378G>A on transcript NM_021625.5 (MANE Select); coding-DNA position 2378, G replaced by A.
Protein change: p.Gly793Asp; replaces glycine 793 with aspartic acid.
Molecular consequence: missense variant.
Genome position (GRCh38, 1-based): chr12:109,784,396, C>T on the plus strand (G>A on the coding strand, the complement: TRPV4 is on the minus strand). VCF-style: chr12-109784396-C-T. GRCh37 (hg19) VCF-style: chr12-110222201-C-T.
Other names: c.2198G>A, p.Gly733Asp (NM_147204.3); c.2237G>A, p.Gly746Asp (NM_001177428.2); c.2276G>A, p.Gly759Asp (NM_001177431.2); c.2057G>A, p.Gly686Asp (NM_001177433.2); short protein forms G759D, G746D, G793D, G733D, G686D.
Identifiers: ClinVar variation 939915 (VCV000939915.32), dbSNP rs1451788224, ClinGen allele CA386648852.

ClinVar aggregate classification (germline): Uncertain significance. Review status: criteria provided, multiple submitters, no conflicts (2 of 4 stars). 4 submissions from 4 submitters: Uncertain significance (4). Last evaluated 2025-02-24.

Conditions:
Inborn genetic diseases. Identifiers: MedGen C0950123, MeSH D030342.
Charcot-Marie-Tooth disease axonal type 2C (HMSN2C). Also called: CHARCOT-MARIE-TOOTH DISEASE, AXONAL, AUTOSOMAL DOMINANT, TYPE 2C; Charcot-Marie-Tooth Neuropathy Type 2C; Charcot-Marie-Tooth Disease Type 2, TRPV4-Related (CMT2C). Identifiers: Orphanet 99937, MedGen C1853710, MONDO:0011633, OMIM 606071.

Allele frequency attached by ClinVar (database versions not stated): gnomAD exomes below 0.00001.
gnomAD v4.1: 6 of 1,614,186 alleles (0.00037%); highest among the groups gnomAD compares: Non-Finnish European, 0.00042%; no homozygotes.

Submissions (4):

GeneDx
Classification: Uncertain significance. Last evaluated: 2025-02-24. Review status: criteria provided, single submitter. Criteria: GeneDx Variant Classification Process June 2021. Collection method: clinical testing. Allele origin: germline. Affected: yes.
Comment: Not observed at significant frequency in large population cohorts (gnomAD); In silico analysis supports that this missense variant has a deleterious effect on protein structure/function; Has not been previously published as pathogenic or benign to our knowledge

Labcorp Genetics (formerly Invitae), Labcorp
Classification: Uncertain significance for Charcot-Marie-Tooth disease axonal type 2C. Last evaluated: 2025-01-21. Review status: criteria provided, single submitter. Criteria: Invitae Variant Classification Sherloc (09022015). Collection method: clinical testing. Allele origin: germline.
Comment: This sequence change replaces glycine, which is neutral and non-polar, with aspartic acid, which is acidic and polar, at codon 793 of the TRPV4 protein (p.Gly793Asp). This variant is present in population databases (no rsID available, gnomAD 0.0009%). This variant has not been reported in the literature in individuals affected with TRPV4-related conditions. ClinVar contains an entry for this variant (Variation ID: 939915). Invitae Evidence Modeling of protein sequence and biophysical properties (such as structural, functional, and spatial information, amino acid conservation, physicochemical variation, residue mobility, and thermodynamic stability) indicates that this missense variant is not expected to disrupt TRPV4 protein function with a negative predictive value of 95%. In summary, the available evidence is currently insufficient to determine the role of this variant in disease. Therefore, it has been classified as a Variant of Uncertain Significance.

CeGaT Center for Human Genetics Tuebingen
Classification: Uncertain significance. Last evaluated: 2024-03-01. Review status: criteria provided, single submitter. Criteria: CeGaT Center For Human Genetics Tuebingen Variant Classification Criteria Version 2. Collection method: clinical testing. Allele origin: germline. Affected: yes. Observed: 1 variant allele.
Comment: TRPV4: PM1, PM2, PP3

Ambry Genetics
Classification: Uncertain significance for Inborn genetic diseases. Last evaluated: 2021-11-22. Review status: criteria provided, single submitter. Criteria: Ambry Variant Classification Scheme 2023. Collection method: clinical testing. Allele origin: germline.